The following is an entry in ClinVar:

ClinVar aggregate classification (germline): Uncertain significance (1 of 4 stars; one submission).

gnomAD v4.1: 4 of 1,604,968 alleles (0.00025%); highest among the groups gnomAD compares: Middle Eastern, 0.017%; no homozygotes.

Submission:

GeneDx
Classification: Uncertain significance. Last evaluated: 2026-03-26. Review status: criteria provided, single submitter. Criteria: GeneDx Variant Classification Process June 2021. Collection method: clinical testing. Allele origin: germline.
Comment: Not observed at significant frequency in large population cohorts (gnomAD); In silico analysis supports that this missense variant has a deleterious effect on protein structure/function; Has not been previously published as pathogenic or benign to our knowledge; This variant is associated with the following publications: (PMID: 25471517)

NM_005051.3(QARS1):c.100C>T (p.Arg34Cys)

Genes: QARS1 (glutaminyl-tRNA synthetase 1; minus strand), LOC129936736 (ATAC-STARR-seq lymphoblastoid active region 19853; plus strand). Cytogenetic location: 3p21.31.
Variant type: single nucleotide variant.
Coding change: c.100C>T on transcript NM_005051.3 (MANE Select); coding-DNA position 100, C replaced by T.
Protein change: p.Arg34Cys; replaces arginine 34 with cysteine.
Molecular consequence: missense variant. On other transcripts: non-coding transcript variant (1).
Genome position (GRCh38, 1-based): chr3:49,104,634, G>A on the plus strand (C>T on the coding strand, the complement: QARS1 is on the minus strand). VCF-style: chr3-49104634-G-A. GRCh37 (hg19) VCF-style: chr3-49142067-G-A.
Other names: c.100C>T, p.Arg34Cys (NM_001272073.2); short protein forms R34C.
Identifiers: ClinVar variation 5017134 (VCV005017134.1).